The following continues an entry in ClinVar:

NM_024675.4(PALB2):c.2674G>A (p.Glu892Lys)

Gene: PALB2. ClinVar aggregate classification (germline): Conflicting classifications of pathogenicity. Uncertain significance (11); Benign (1); Likely benign (5).

Submissions 15 to 22 of 22:

Genetic Services Laboratory, University of Chicago
Classification: Uncertain significance. Last evaluated: 2020-05-01. Review status: criteria provided, single submitter. Criteria: ACMG Guidelines, 2015. Collection method: clinical testing. Allele origin: germline. Affected: no.
Comment: DNA sequence analysis of the PALB2 gene demonstrated a sequence change, c.2674G>A, in exon 7 that results in an amino acid change, p.Glu892Lys. This sequence change has been described in the gnomAD database with a frequency of 0.015% in the European sub-population (dbSNP rs45476495). This sequence change has been reported in individuals with suspected Lynch syndrome, breast, pancreatic, stomach, lung, and prostate cancer (PMIDs: 17200668, 26283626, 22241545, 25356972, 26534844, 28503720, 30287823, 25575445, 26689913, 29368341, 25980754). The p.Glu892Lys change affects a highly conserved amino acid residue located in a domain of the PALB2 protein that is known to be functional. The p.Glu892Lys substitution appears to be deleterious using several in-silico pathogenicity prediction tools (SIFT, PolyPhen2, Align GVGD, REVEL). Due to the lack of functional studies, the clinical significance of the p.Glu892Lys change remains unknown at this time.

Illumina Laboratory Services, Illumina
Classification: Uncertain significance for Fanconi anemia complementation group N. Last evaluated: 2017-04-28. Review status: criteria provided, single submitter. Criteria: ICSL Variant Classification Criteria 13 December 2019. Collection method: clinical testing. Allele origin: germline.

Cancer Genetics Laboratory, Peter MacCallum Cancer Centre
Classification: Uncertain significance for Familial cancer of breast. Last evaluated: 2015-06-01. Review status: criteria provided, single submitter. Criteria: Thompson et al. (Breast Cancer Res. 2015). Collection method: case-control. Allele origin: germline. Affected: yes. Observed: 3 variant alleles, 3 heterozygotes.

Leiden Open Variation Database
Classification: Uncertain significance. Last evaluated: 2019-05-13. Review status: no assertion criteria provided. Collection method: curation. Allele origin: germline. Affected: no. Not counted in ClinVar's aggregate classification.
Comment: Curators: Marc Tischkowitz, Arleen D. Auerbach. Submitters to LOVD: Marc Tischkowitz, Yukihide Momozawa.

Counsyl
Classification: Uncertain significance for Familial cancer of breast. Last evaluated: 2018-01-30. Review status: no assertion criteria provided. Collection method: clinical testing. Allele origin: unknown. Not counted in ClinVar's aggregate classification.

Department of Pathology and Laboratory Medicine, Sinai Health System
Classification: Uncertain significance. Review status: no assertion criteria provided. Collection method: clinical testing. Allele origin: unknown. Affected: yes. Observed: 1 variant allele. Study: The Canadian Open Genetics Repository (COGR). Not counted in ClinVar's aggregate classification.
Comment: The PALB2 p.Glu892Lys variant was identified in 8 of 9314 proband chromosomes (frequency: 0.0009) from individuals or families with breast and pancreatic cancers and was not identified in 3996 control chromosomes from healthy individuals (Li 2017, Nguyen_Dumont 2015, Thompson 2015, Zhen 2015). The variant was also identified in dbSNP (ID: rs45476495) as with pathogenic, uncertain significance allele; in the ClinVar and Clinvitae databases as with uncertain significance by Ambry Genetics, Invitae, Cancer Genetics Laboratory, Peter MacCallum Cancer Centre Study Description, GeneDx, and Quest Diagnostics Nichols Institute San Juan Capistrano. In addition, the variant was identified in the LOVD 3.0 database 4X and in the Zhejiang Colon Cancer database 1X from unknown tissue source. The variant was not identified in the Cosmic and MutDB, databases. The variant was identified in the 1000 Genomes Project in 1 of 5000 chromosomes (frequency: 0.0002) and in the NHLBI GO Exome Sequencing Project in 1 of 8600 European American alleles. The variant was identified in control databases in 18 of 277250 chromosomes at a frequency of 0.00006 (Genome Aggregation Database Feb 27, 2017). Breakdown of the observations by population include European Non-Finnish in 18 of 126726 chromosomes (freq: 0.0001), while the variant was not observed in the African, Other, Latino, Ashkenazi Jewish, East Asian, European Finnish, and South Asian populations. The p.Glu892 residue is conserved in mammals but not in more distantly related organisms, and four out of five computational analyses (PolyPhen-2, SIFT, AlignGVGD, BLOSUM, MutationTaster) suggest that the p.Glu892Lys variant may impact the protein; however, this information is not predictive enough to assume pathogenicity. The variant occurs outside of the splicing consensus sequence and in silico or computational prediction software programs (SpliceSiteFinder, MaxEntScan, NNSPLICE, GeneSplicer, HumanSpliceFinder) do not predict a difference in splicing. In summary, based on the above information the clinical significance of this variant cannot be determined with certainty at this time. This variant is classified as a variant of uncertain significance.

Diagnostic Laboratory, Department of Genetics, University Medical Center Groningen
Classification: Uncertain significance. Review status: no assertion criteria provided. Collection method: clinical testing. Allele origin: germline. Affected: yes. Study: VKGL Data-share Consensus. Not counted in ClinVar's aggregate classification.

Joint Genome Diagnostic Labs from Nijmegen and Maastricht, Radboudumc and MUMC+
Classification: Uncertain significance. Review status: no assertion criteria provided. Collection method: clinical testing. Allele origin: germline. Affected: yes. Study: VKGL Data-share Consensus. Not counted in ClinVar's aggregate classification.

Literature cited by the submitters: PubMed 25085752 (cited by Myriad Genetics, Inc.); PubMed 25575445 (cited by 5 submitters); PubMed 26283626 (cited by 4 submitters); PubMed 22241545 (cited by 6 submitters); PubMed 17200668 (cited by 6 submitters); PubMed 25186627 (cited by 5 submitters); PubMed 30287823 (cited by 5 submitters); PubMed 30982232 (cited by Quest Diagnostics Nichols Institute San Juan Capistrano and Women's Health and Genetics/Laboratory Corporation of America, LabCorp); PubMed 31742824 (cited by Quest Diagnostics Nichols Institute San Juan Capistrano and Women's Health and Genetics/Laboratory Corporation of America, LabCorp); PubMed 32853339 (cited by Quest Diagnostics Nichols Institute San Juan Capistrano and Women's Health and Genetics/Laboratory Corporation of America, LabCorp); PubMed 26534844 (cited by 4 submitters); PubMed 28503720 (cited by 3 submitters); PubMed 28779002 (cited by Quest Diagnostics Nichols Institute San Juan Capistrano and Ambry Genetics); PubMed 32830346 (cited by 3 submitters); PubMed 29368341 (cited by 4 submitters); PubMed 25356972 (cited by 3 submitters); PubMed 25980754 (cited by 3 submitters); PubMed 26315354 (cited by Women's Health and Genetics/Laboratory Corporation of America, LabCorp); PubMed 26689913 (cited by Women's Health and Genetics/Laboratory Corporation of America, LabCorp and Counsyl); PubMed 30113427 (cited by Women's Health and Genetics/Laboratory Corporation of America, LabCorp); PubMed 33471991 (cited by Women's Health and Genetics/Laboratory Corporation of America, LabCorp and Sema4).